The following is an entry in ClinVar:

ClinVar aggregate classification (germline): Uncertain significance. Review status: criteria provided, multiple submitters, no conflicts (2 of 4 stars). 2 submissions from 2 submitters: Uncertain significance (2). Last evaluated 2025-04-11.

Allele frequency attached by ClinVar (database versions not stated): gnomAD exomes 0.00001; TOPMed 0.00001; gnomAD 0.00002.

Submissions (2):

Labcorp Genetics (formerly Invitae), Labcorp
Classification: Uncertain significance. Last evaluated: 2025-04-11. Review status: criteria provided, single submitter. Criteria: Invitae Variant Classification Sherloc (09022015). Collection method: clinical testing. Allele origin: germline.
Comment: This sequence change replaces isoleucine, which is neutral and non-polar, with threonine, which is neutral and polar, at codon 290 of the SPPL2A protein (p.Ile290Thr). This variant is present in population databases (no rsID available, gnomAD 0.02%). This variant has not been reported in the literature in individuals affected with SPPL2A-related conditions. ClinVar contains an entry for this variant (Variation ID: 2605979). An algorithm developed to predict the effect of missense changes on protein structure and function (PolyPhen-2) suggests that this variant is likely to be tolerated. In summary, the available evidence is currently insufficient to determine the role of this variant in disease. Therefore, it has been classified as a Variant of Uncertain Significance.

Ambry Genetics
Classification: Uncertain significance. Last evaluated: 2023-06-23. Review status: criteria provided, single submitter. Criteria: Ambry Variant Classification Scheme 2023. Collection method: clinical testing. Allele origin: germline.

NM_032802.4(SPPL2A):c.869T>C (p.Ile290Thr)

Gene: SPPL2A (signal peptide peptidase like 2A; minus strand). Cytogenetic location: 15q21.2.
Variant type: single nucleotide variant.
Coding change: c.869T>C on transcript NM_032802.4 (MANE Select); coding-DNA position 869, T replaced by C.
Protein change: p.Ile290Thr; replaces isoleucine 290 with threonine.
Molecular consequence: missense variant.
Genome position (GRCh38, 1-based): chr15:50,736,164, A>G on the plus strand (T>C on the coding strand, the complement: SPPL2A is on the minus strand). VCF-style: chr15-50736164-A-G. GRCh37 (hg19) VCF-style: chr15-51028361-A-G.
Other names: short protein forms I290T.
Identifiers: ClinVar variation 2605979 (VCV002605979.3), dbSNP rs1449731737, ClinGen allele CA392411850.
Genomic context (GRCh38, chr15:50,736,164, plus strand): 5'-TCTTCATTTCGAAACACAGCCCAAACAACAGCTACTGCTATGCACAGTCCAGAGAGAAAA[A>G]TAAGTCTCACTTCCATGTTTTTGCCACGACATGCAATCCTAAAAAACAGATTAAAATAGT-3'
Protein context (NP_116191.2, residues 280-300): CRGKNMEVRL[Ile290Thr]FLSGLCIAVA